The following is an entry in ClinVar:

ClinVar aggregate classification (germline): Uncertain significance. Review status: criteria provided, multiple submitters, no conflicts (2 of 4 stars). 2 submissions from 2 submitters: Uncertain significance (2). Last evaluated 2025-05-31.

Conditions:
Hereditary cancer-predisposing syndrome. Also called: Neoplastic Syndromes, Hereditary; Hereditary Cancer Syndrome; Tumor predisposition; Hereditary neoplastic syndrome. Identifiers: Orphanet 140162, MedGen C0027672, MeSH D009386, MONDO:0015356.
Familial cancer of breast. Also called: Hereditary breast cancer; BREAST CANCER, FAMILIAL; hereditary breast carcinoma. Identifiers: Orphanet 227535, MedGen C0346153, MONDO:0016419, OMIM 114480. Disease mechanism: loss of function.
Fanconi anemia complementation group J. Also called: BRIP1-Related Fanconi Anemia. Identifiers: Orphanet 84, MedGen C1836860, MONDO:0012187, OMIM 609054.

Submissions (2):

Ambry Genetics
Classification: Uncertain significance for Hereditary cancer-predisposing syndrome. Last evaluated: 2025-05-31. Review status: criteria provided, single submitter. Criteria: Ambry Variant Classification Scheme 2023. Collection method: clinical testing. Allele origin: germline.
Comment: The p.V725E variant (also known as c.2174T>A), located in coding exon 14 of the BRIP1 gene, results from a T to A substitution at nucleotide position 2174. The valine at codon 725 is replaced by glutamic acid, an amino acid with dissimilar properties. This amino acid position is conserved. In addition, the in silico prediction for this alteration is inconclusive. Based on the available evidence, the clinical significance of this variant remains unclear.

Labcorp Genetics (formerly Invitae), Labcorp
Classification: Uncertain significance for Familial cancer of breast; Fanconi anemia complementation group J. Last evaluated: 2022-10-20. Review status: criteria provided, single submitter. Criteria: Invitae Variant Classification Sherloc (09022015). Collection method: clinical testing. Allele origin: germline.
Comment: In summary, the available evidence is currently insufficient to determine the role of this variant in disease. Therefore, it has been classified as a Variant of Uncertain Significance. Advanced modeling of protein sequence and biophysical properties (such as structural, functional, and spatial information, amino acid conservation, physicochemical variation, residue mobility, and thermodynamic stability) performed at Invitae indicates that this missense variant is not expected to disrupt BRIP1 protein function. ClinVar contains an entry for this variant (Variation ID: 1462796). This variant has not been reported in the literature in individuals affected with BRIP1-related conditions. This variant is not present in population databases (gnomAD no frequency). This sequence change replaces valine, which is neutral and non-polar, with glutamic acid, which is acidic and polar, at codon 725 of the BRIP1 protein (p.Val725Glu).

NM_032043.3(BRIP1):c.2174T>A (p.Val725Glu)

Gene: BRIP1 (BRCA1 interacting DNA helicase 1; minus strand). Cytogenetic location: 17q23.2.
Variant type: single nucleotide variant.
Coding change: c.2174T>A on transcript NM_032043.3 (MANE Select); coding-DNA position 2174, T replaced by A.
Protein change: p.Val725Glu; replaces valine 725 with glutamic acid.
Molecular consequence: missense variant.
Genome position (GRCh38, 1-based): chr17:61,744,515, A>T on the plus strand (T>A on the coding strand, the complement: BRIP1 is on the minus strand). VCF-style: chr17-61744515-A-T. GRCh37 (hg19) VCF-style: chr17-59821876-A-T.
Other names: c.2174T>A (NM_032043.2); short protein forms V725E.
Identifiers: ClinVar variation 1462796 (VCV001462796.8), dbSNP rs2144698131, ClinGen allele CA400483101.